The following is an entry in ClinVar:

ClinVar aggregate classification (germline): Uncertain significance (1 of 4 stars; one submission).

gnomAD v4.1: 2 of 1,613,770 alleles (0.00012%); highest among the groups gnomAD compares: Non-Finnish European, 0.000085%; no homozygotes.

Submission:

Dasa
Classification: Uncertain significance. Last evaluated: 2026-04-26. Review status: criteria provided, single submitter. Criteria: DASA Assertion Criteria. Collection method: clinical testing. Allele origin: germline.
Comment: NM_002661.5(PLCG2):c.655G>C (p.Asp219His) is a missense variant that results in the substitution of aspartic acid with histidine. This variant is rare in population databases. The currently available literature and clinical evidence are not sufficient to establish a definitive association between this variant and the reported condition. Therefore, this variant is classified as a variant of uncertain significance.

NM_002661.5(PLCG2):c.655G>C (p.Asp219His)

Gene: PLCG2 (phospholipase C gamma 2; plus strand). Cytogenetic location: 16q23.3.
Variant type: single nucleotide variant.
Coding change: c.655G>C on transcript NM_002661.5 (MANE Select); coding-DNA position 655, G replaced by C.
Protein change: p.Asp219His; replaces aspartic acid 219 with histidine.
Molecular consequence: missense variant.
Genome position (GRCh38, 1-based): chr16:81,880,916, G>C. VCF-style: chr16-81880916-G-C. GRCh37 (hg19) VCF-style: chr16-81914521-G-C.
Other names: c.655G>C, p.Asp219His (NM_001425749.1, NM_001425750.1, NM_001425751.1); short protein forms D219H.
Identifiers: ClinVar variation 4852707 (VCV004852707.2).